The following is an entry in ClinVar:

NM_000260.4(MYO7A):c.6043T>C (p.Tyr2015His)

Gene: MYO7A (myosin VIIA; plus strand). Cytogenetic location: 11q13.5.
Variant type: single nucleotide variant.
Coding change: c.6043T>C on transcript NM_000260.4 (MANE Select); coding-DNA position 6043, T replaced by C.
Protein change: p.Tyr2015His; replaces tyrosine 2015 with histidine.
Molecular consequence: missense variant.
Genome position (GRCh38, 1-based): chr11:77,208,795, T>C. VCF-style: chr11-77208795-T-C. GRCh37 (hg19) VCF-style: chr11-76919840-T-C.
Other names: c.6043T>C (NM_000260.3); c.5929T>C, p.Tyr1977His (NM_001127180.2); c.5896T>C, p.Tyr1966His (NM_001369365.1); short protein forms Y1977H, Y1966H, Y2015H.
Identifiers: ClinVar variation 1493312 (VCV001493312.11), dbSNP rs377640847, ClinGen allele CA6198905.

ClinVar aggregate classification (germline): Pathogenic/Likely pathogenic. Review status: criteria provided, multiple submitters, no conflicts (2 of 4 stars). 3 submissions from 3 submitters: Pathogenic (1); Likely pathogenic (2). Last evaluated 2025-06-26.

Conditions:
Usher syndrome type 1B (USH1B). Also called: Usher syndrome type IB. Identifiers: MedGen C1848638, MONDO:0700087.
Usher syndrome. Also called: Usher Syndromes; Usher's syndrome. Identifiers: Orphanet 886, MedGen CN469326, MeSH D052245, MONDO:0019501. Disease mechanism: loss of function.

Allele frequency attached by ClinVar (database versions not stated): gnomAD exomes below 0.00001 and 0.00001; TOPMed 0.00002; ExAC 0.00003; ESP Exome Variant Server 0.00016.
gnomAD v4.1: 3 of 1,559,976 alleles (0.00019%); highest among the groups gnomAD compares: Non-Finnish European, 0.00026%; no homozygotes.

Submissions (3):

Women's Health and Genetics/Laboratory Corporation of America, LabCorp
Classification: Likely pathogenic for Usher syndrome. Last evaluated: 2025-06-26. Review status: criteria provided, single submitter. Criteria: LabCorp Variant Classification Summary - May 2015. Collection method: clinical testing. Allele origin: germline.
Comment: Variant summary: MYO7A c.6043T>C (p.Tyr2015His) results in a conservative amino acid change located in the FERM domain (IPR000299) of the encoded protein sequence. Algorithms developed to predict the effect of missense changes on protein structure and function are either unavailable or do not agree on the potential impact of this missense change. The variant allele was found at a frequency of 5.8e-06 in 171858 control chromosomes. c.6043T>C has been observed in a biallelic genotype in at least two individuals and a homozygous individual affected with Usher Syndrome (Jacobson_2009, Le Quesne Stabej_2012, LCG internal data). These data indicate that the variant is likely to be associated with disease. To our knowledge, no experimental evidence demonstrating an impact on protein function has been reported. ClinVar contains an entry for this variant (Variation ID: 1493312). Based on the evidence outlined above, the variant was classified as likely pathogenic.

Labcorp Genetics (formerly Invitae), Labcorp
Classification: Pathogenic. Last evaluated: 2025-02-01. Review status: criteria provided, single submitter. Criteria: Invitae Variant Classification Sherloc (09022015). Collection method: clinical testing. Allele origin: germline.
Comment: This sequence change replaces tyrosine, which is neutral and polar, with histidine, which is basic and polar, at codon 2015 of the MYO7A protein (p.Tyr2015His). The frequency data for this variant in the population databases is considered unreliable, as metrics indicate poor data quality at this position in the gnomAD database. This missense change has been observed in individual(s) with Usher syndrome (PMID: 19074810, 22135276; internal data). ClinVar contains an entry for this variant (Variation ID: 1493312). Invitae Evidence Modeling of protein sequence and biophysical properties (such as structural, functional, and spatial information, amino acid conservation, physicochemical variation, residue mobility, and thermodynamic stability) indicates that this missense variant is expected to disrupt MYO7A protein function with a positive predictive value of 80%. For these reasons, this variant has been classified as Pathogenic.

Natera, Inc.
Classification: Likely pathogenic for Usher syndrome type 1B. Last evaluated: 2024-08-25. Review status: criteria provided, single submitter. Criteria: Natera Variant Classification Schema (03/2026). Collection method: clinical testing. Allele origin: germline.
Comment: The c.6043T>C variant in MYO7A is a missense variant predicted to cause substitution of tyrosine to histidine at amino acid 2015. This variant is rare in the general population with a frequency below the threshold expected for the associated phenotype(s). This variant has been observed in one or more individuals affected with the associated recessive disease, as either homozygous or compound heterozygous with a second variant (PMID: 19074810, 22135276, 24199935). Computational prediction algorithms indicate this variant is likely to affect gene or protein function. Given the available evidence, this variant is classified as Likely Pathogenic.

Literature cited by the submitters: PubMed 22135276 (cited by 3 submitters); PubMed 19074810 (cited by 3 submitters); PubMed 24199935 (cited by Natera, Inc.).